The following is an entry in ClinVar:

ClinVar aggregate classification (germline): Pathogenic (1 of 4 stars; one submission).

Submission:

Labcorp Genetics (formerly Invitae), Labcorp
Classification: Pathogenic. Last evaluated: 2025-02-10. Review status: criteria provided, single submitter. Criteria: Invitae Variant Classification Sherloc (09022015). Collection method: clinical testing. Allele origin: germline.
Comment: This sequence change creates a premature translational stop signal (p.Pro2306Leufs*10) in the ACAN gene. It is expected to result in an absent or disrupted protein product. Loss-of-function variants in ACAN are known to be pathogenic (PMID: 16080123, 24762113). The frequency data for this variant in the population databases is considered unreliable, as metrics indicate poor data quality at this position in the gnomAD database. This variant has not been reported in the literature in individuals affected with ACAN-related conditions. For these reasons, this variant has been classified as Pathogenic.

Literature cited by the submitters: PubMed 16080123; PubMed 24762113.

NM_001369268.1(ACAN):c.6917del (p.Pro2306fs)

Gene: ACAN (aggrecan; plus strand). Cytogenetic location: 15q26.1.
Variant type: Deletion.
Coding change: c.6917del on transcript NM_001369268.1 (MANE Select); coding-DNA position 6917, one base deleted (C; older notation c.6917delC).
Protein change: p.Pro2306fs; shifts the reading frame from proline 2306.
Molecular consequence: frameshift variant. On other transcripts: intron variant (3).
Genome position (GRCh38, 1-based): chr15:88,860,410, C deleted; the last of 6 consecutive C bases (chr15:88,860,405-88,860,410); deleting any one gives the same sequence. VCF-style (leftmost placement, unchanged base first): chr15-88860404-GC-G. GRCh37 (hg19) VCF-style: chr15-89403635-GC-G.
Other names: c.6917del, p.Pro2306fs (NM_013227.4); c.6832+993del (NM_001411097.1, NM_001411096.1, NM_001135.4); short protein forms P2306fs.
Identifiers: ClinVar variation 4761334 (VCV004761334.1).